The following is an entry in ClinVar:

ClinVar aggregate classification (germline): Uncertain significance (1 of 4 stars; one submission).

Conditions:
Primary ciliary dyskinesia. Also called: Ciliary dyskinesia. Identifiers: Orphanet 244, MedGen C0008780, MONDO:0016575, HP:0012265.

Allele frequency attached by ClinVar (database versions not stated): gnomAD exomes below 0.00001; TOPMed below 0.00001; ExAC 0.00001; gnomAD 0.00001.
gnomAD v4.1: 12 of 1,614,048 alleles (0.00074%); highest among the groups gnomAD compares: Non-Finnish European, 0.001%; no homozygotes.

Submission:

Labcorp Genetics (formerly Invitae), Labcorp
Classification: Uncertain significance for Primary ciliary dyskinesia. Last evaluated: 2021-03-24. Review status: criteria provided, single submitter. Criteria: Invitae Variant Classification Sherloc (09022015). Collection method: clinical testing. Allele origin: germline.
Comment: This sequence change replaces threonine with lysine at codon 580 of the DRC1 protein (p.Thr580Lys). The threonine residue is weakly conserved and there is a moderate physicochemical difference between threonine and lysine. This variant is present in population databases (rs773007219, ExAC 0.001%). This variant has not been reported in the literature in individuals with DRC1-related conditions. Algorithms developed to predict the effect of missense changes on protein structure and function output the following: SIFT: "Tolerated"; PolyPhen-2: "Benign"; Align-GVGD: "Class C0". The lysine amino acid residue is found in multiple mammalian species, suggesting that this missense change does not adversely affect protein function. These predictions have not been confirmed by published functional studies and their clinical significance is uncertain. In summary, the available evidence is currently insufficient to determine the role of this variant in disease. Therefore, it has been classified as a Variant of Uncertain Significance.

NM_145038.5(DRC1):c.1739C>A (p.Thr580Lys)

Gene: DRC1 (dynein regulatory complex subunit 1; plus strand). Cytogenetic location: 2p23.3.
Variant type: single nucleotide variant.
Coding change: c.1739C>A on transcript NM_145038.5 (MANE Select); coding-DNA position 1739, C replaced by A.
Protein change: p.Thr580Lys; replaces threonine 580 with lysine.
Molecular consequence: missense variant.
Genome position (GRCh38, 1-based): chr2:26,453,369, C>A. VCF-style: chr2-26453369-C-A. GRCh37 (hg19) VCF-style: chr2-26676237-C-A.
Other names: short protein forms T580K.
Identifiers: ClinVar variation 1430438 (VCV001430438.8), dbSNP rs773007219, ClinGen allele CA1562391.